The following is an entry in ClinVar:

ClinVar aggregate classification (germline): Uncertain significance (1 of 4 stars; one submission).

gnomAD v4.1: 1 of 1,604,522 alleles (0.000062%); highest among the groups gnomAD compares: Non-Finnish European, 0.000085%; no homozygotes.

Submission:

Labcorp Genetics (formerly Invitae), Labcorp
Classification: Uncertain significance. Last evaluated: 2025-11-08. Review status: criteria provided, single submitter. Criteria: Invitae Variant Classification Sherloc (09022015). Collection method: clinical testing. Allele origin: germline.
Comment: This sequence change replaces aspartic acid, which is acidic and polar, with asparagine, which is neutral and polar, at codon 933 of the PITPNM3 protein (p.Asp933Asn). This variant is not present in population databases (gnomAD no frequency). This variant has not been reported in the literature in individuals affected with PITPNM3-related conditions. An algorithm developed to predict the effect of missense changes on protein structure and function (PolyPhen-2) suggests that this variant is likely to be tolerated. In summary, the available evidence is currently insufficient to determine the role of this variant in disease. Therefore, it has been classified as a Variant of Uncertain Significance.

NM_031220.4(PITPNM3):c.2797G>A (p.Asp933Asn)

Gene: PITPNM3 (PITPNM family member 3; minus strand). Cytogenetic location: 17p13.2.
Variant type: single nucleotide variant.
Coding change: c.2797G>A on transcript NM_031220.4 (MANE Select); coding-DNA position 2797, G replaced by A.
Protein change: p.Asp933Asn; replaces aspartic acid 933 with asparagine.
Molecular consequence: missense variant.
Genome position (GRCh38, 1-based): chr17:6,455,466, C>T on the plus strand (G>A on the coding strand, the complement: PITPNM3 is on the minus strand). VCF-style: chr17-6455466-C-T. GRCh37 (hg19) VCF-style: chr17-6358786-C-T.
Other names: c.2689G>A, p.Asp897Asn (NM_001165966.2); short protein forms D897N, D933N.
Identifiers: ClinVar variation 4730723 (VCV004730723.1).
Genomic context (GRCh38, chr17:6,455,466, plus strand): 5'-CTTTGTCCGACTCGGGCTGGCTCTGGGCCCGCTCGGGCTTGGGGTTGGCGGCGGGCGGGT[C>T]GGGCTGCTGCACTGACATGGTTCTGCGCAGGTGGTTGCGCTTCCGCAGGAACTCTGGCTG-3'
Protein context (NP_112497.2, residues 923-943): LRRTMSVQQP[Asp933Asn]PPAANPKPER